The following is an entry in ClinVar:

NM_144670.6(A2ML1):c.1569C>A (p.Thr523=)

Gene: A2ML1 (alpha-2-macroglobulin like 1; plus strand). Cytogenetic location: 12p13.31.
Variant type: single nucleotide variant.
Coding change: c.1569C>A on transcript NM_144670.6 (MANE Select); coding-DNA position 1569, C replaced by A.
Protein change: p.Thr523=; no amino-acid change (threonine 523 retained).
Molecular consequence: synonymous variant.
Genome position (GRCh38, 1-based): chr12:8,846,108, C>A. VCF-style: chr12-8846108-C-A. GRCh37 (hg19) VCF-style: chr12-8998704-C-A.
Other names: c.1569C>A (NM_144670.3, NM_144670.5); c.96C>A, p.Thr32= (NM_001282424.3).
Identifiers: ClinVar variation 511858 (VCV000511858.8), dbSNP rs1455152222, ClinGen allele CA478301688.

ClinVar aggregate classification (germline): Likely benign. Review status: criteria provided, multiple submitters, no conflicts (2 of 4 stars). 4 submissions from 4 submitters: Likely benign (3). 1 of the submissions does not count toward it. Last evaluated 2025-11-18.

Conditions:
A2ML1-related disorder. Also called: A2ML1-related condition.

Allele frequency attached by ClinVar (database versions not stated): gnomAD exomes below 0.00001.
gnomAD v4.1: 4 of 1,614,136 alleles (0.00025%); highest among the groups gnomAD compares: Non-Finnish European, 0.00034%; no homozygotes.

Submissions (4):

Labcorp Genetics (formerly Invitae), Labcorp
Classification: Likely benign. Last evaluated: 2025-11-18. Review status: criteria provided, single submitter. Criteria: Invitae Variant Classification Sherloc (09022015). Collection method: clinical testing. Allele origin: germline.

Ambry Genetics
Classification: Likely benign. Last evaluated: 2023-03-13. Review status: criteria provided, single submitter. Criteria: Ambry Variant Classification Scheme 2023. Collection method: clinical testing. Allele origin: germline.

GeneDx
Classification: Likely benign. Last evaluated: 2017-09-01. Review status: criteria provided, single submitter. Criteria: GeneDx Variant Classification (06012015). Collection method: clinical testing. Allele origin: germline. Affected: yes.
Comment: This variant is considered likely benign or benign based on one or more of the following criteria: it is a conservative change, it occurs at a poorly conserved position in the protein, it is predicted to be benign by multiple in silico algorithms, and/or has population frequency not consistent with disease.

PreventionGenetics, part of Exact Sciences
Classification: Likely benign for A2ML1-related condition. Last evaluated: 2023-02-16. Review status: no assertion criteria provided. Collection method: clinical testing. Allele origin: germline. Not counted in ClinVar's aggregate classification.
Comment: This variant is classified as likely benign based on ACMG/AMP sequence variant interpretation guidelines (Richards et al. 2015 PMID: 25741868, with internal and published modifications).